The following is an entry in ClinVar:

ClinVar aggregate classification (germline): Uncertain significance (1 of 4 stars; one submission).

Conditions:
Hypertrophic cardiomyopathy. Also called: HYPERTROPHIC MYOCARDIOPATHY. Identifiers: Orphanet 217569, MedGen C0007194, MeSH D002312, MONDO:0005045, HP:0001639.

Submission:

All of Us Research Program, National Institutes of Health
Classification: Uncertain significance for Hypertrophic cardiomyopathy. Last evaluated: 2023-06-26. Review status: criteria provided, single submitter. Criteria: ACMG Guidelines, 2015. Collection method: clinical testing. Allele origin: germline. Inheritance: Autosomal dominant inheritance. Observed: 1 variant allele, 1 heterozygote.
Comment: This variant changes the translational stop signal of the TNNI3 gene to serine. Translation read-through is expected to extend the length of the TNNI3 protein by 20 additional amino acids. To our knowledge, functional studies have not been reported for this variant. This variant has not been reported in individuals affected with TNNI3-related disorders in the literature. This variant has not been identified in the general population by the Genome Aggregation Database (gnomAD). The available evidence is insufficient to determine the role of this variant in disease conclusively. Therefore, this variant is classified as a Variant of Uncertain Significance.

This study involves interpretation of variants in research participants for the purpose of population health screening. Participant phenotype was not available at the time of variant classification. Additional details can be found in publication PMID: 35346344, PMCID: PMC8962531

NM_000363.5(TNNI3):c.632G>C (p.Ter211Ser)

Gene: TNNI3 (troponin I3, cardiac type; minus strand). Cytogenetic location: 19q13.42.
Variant type: single nucleotide variant.
Coding change: c.632G>C on transcript NM_000363.5 (MANE Select); coding-DNA position 632, G replaced by C.
Protein change: p.Ter211Ser.
Molecular consequence: stop lost.
Genome position (GRCh38, 1-based): chr19:55,151,835, C>G on the plus strand (G>C on the coding strand, the complement: TNNI3 is on the minus strand). VCF-style: chr19-55151835-C-G. GRCh37 (hg19) VCF-style: chr19-55663203-C-G.
Identifiers: ClinVar variation 3072237 (VCV003072237.1), dbSNP rs730881084, ClinGen allele CA407439363.